The following is an entry in ClinVar:

ClinVar aggregate classification (germline): Uncertain significance. Review status: criteria provided, multiple submitters, no conflicts (2 of 4 stars). 2 submissions from 2 submitters: Uncertain significance (2). Last evaluated 2024-06-02.

Conditions:
Arrhythmogenic cardiomyopathy with wooly hair and keratoderma. Also called: PALMOPLANTAR KERATODERMA WITH LEFT VENTRICULAR CARDIOMYOPATHY AND WOOLLY HAIR; Carvajal syndrome; Dilated cardiomyopathy with woolly hair and keratoderma; Arrhythmogenic cardiomyopathy with woolly hair and keratoderma. Identifiers: Orphanet 65282, MedGen C1854063, MONDO:0011581, OMIM 605676.
Arrhythmogenic right ventricular dysplasia 8 (ARVD8). Also called: ARRHYTHMOGENIC RIGHT VENTRICULAR DYSPLASIA, FAMILIAL, 8; ARRHYTHMOGENIC RIGHT VENTRICULAR CARDIOMYOPATHY 8; Arrhythmogenic Right Ventricular Dysplasia/Cardiomyopathy 8. Identifiers: MedGen C1843896, MONDO:0011831, OMIM 607450.

Allele frequency attached by ClinVar (database versions not stated): gnomAD 0.00001.
gnomAD v4.1: 1 of 1,614,102 alleles (0.000062%); highest among the groups gnomAD compares: African/African-American, 0.0013%; no homozygotes.

Submissions (2):

Labcorp Genetics (formerly Invitae), Labcorp
Classification: Uncertain significance for Arrhythmogenic cardiomyopathy with wooly hair and keratoderma; Arrhythmogenic right ventricular dysplasia 8. Last evaluated: 2024-06-02. Review status: criteria provided, single submitter. Criteria: Invitae Variant Classification Sherloc (09022015). Collection method: clinical testing. Allele origin: germline.
Comment: This sequence change replaces tyrosine, which is neutral and polar, with histidine, which is basic and polar, at codon 619 of the DSP protein (p.Tyr619His). This variant is not present in population databases (gnomAD no frequency). This variant has not been reported in the literature in individuals affected with DSP-related conditions. An algorithm developed to predict the effect of missense changes on protein structure and function (PolyPhen-2) suggests that this variant is likely to be disruptive. In summary, the available evidence is currently insufficient to determine the role of this variant in disease. Therefore, it has been classified as a Variant of Uncertain Significance.

All of Us Research Program, National Institutes of Health
Classification: Uncertain significance for Arrhythmogenic cardiomyopathy with wooly hair and keratoderma. Last evaluated: 2023-10-06. Review status: criteria provided, single submitter. Criteria: ACMG Guidelines, 2015. Collection method: clinical testing. Allele origin: germline. Inheritance: Autosomal dominant inheritance. Observed: 1 variant allele, 1 heterozygote.
Comment: This missense variant replaces tyrosine with histidine at codon 619 of the DSP protein. Computational prediction suggests that this variant may have deleterious impact on protein structure and function (internally defined REVEL score threshold >= 0.7, PMID: 27666373). To our knowledge, functional studies have not been reported for this variant. This variant has not been reported in individuals affected with DSP-related disorders in the literature. This variant has not been identified in the general population by the Genome Aggregation Database (gnomAD). The available evidence is insufficient to determine the role of this variant in disease conclusively. Therefore, this variant is classified as a Variant of Uncertain Significance.

This study involves interpretation of variants in research participants for the purpose of population health screening. Participant phenotype was not available at the time of variant classification. Additional details can be found in publication PMID: 35346344, PMCID: PMC8962531

NM_004415.4(DSP):c.1855T>C (p.Tyr619His)

Gene: DSP (desmoplakin; plus strand). Cytogenetic location: 6p24.3.
Variant type: single nucleotide variant.
Coding change: c.1855T>C on transcript NM_004415.4 (MANE Select); coding-DNA position 1855, T replaced by C.
Protein change: p.Tyr619His; replaces tyrosine 619 with histidine.
Molecular consequence: missense variant.
Genome position (GRCh38, 1-based): chr6:7,571,536, T>C. VCF-style: chr6-7571536-T-C. GRCh37 (hg19) VCF-style: chr6-7571769-T-C.
Other names: c.1855T>C, p.Tyr619His (NM_001008844.3, NM_001319034.2); short protein forms Y619H.
Identifiers: ClinVar variation 3073684 (VCV003073684.2), dbSNP rs1759052400, ClinGen allele CA362679567.